The following is an entry in ClinVar:

ClinVar aggregate classification (germline): Conflicting classifications of pathogenicity. Review status: criteria provided, conflicting classifications (1 of 4 stars). 2 submissions from 2 submitters: Uncertain significance (1); Likely benign (1). Last evaluated 2025-03-06.

Conditions:
Inborn genetic diseases. Identifiers: MedGen C0950123, MeSH D030342.

Submissions (2):

Ambry Genetics
Classification: Likely benign for Inborn genetic diseases. Last evaluated: 2025-03-06. Review status: criteria provided, single submitter. Criteria: Ambry Variant Classification Scheme 2023. Collection method: clinical testing. Allele origin: germline.

Labcorp Genetics (formerly Invitae), Labcorp
Classification: Uncertain significance. Last evaluated: 2024-05-06. Review status: criteria provided, single submitter. Criteria: Invitae Variant Classification Sherloc (09022015). Collection method: clinical testing. Allele origin: germline.
Comment: This sequence change replaces leucine, which is neutral and non-polar, with valine, which is neutral and non-polar, at codon 470 of the CAMK2B protein (p.Leu470Val). This variant is not present in population databases (gnomAD no frequency). This variant has not been reported in the literature in individuals affected with CAMK2B-related conditions. An algorithm developed to predict the effect of missense changes on protein structure and function (PolyPhen-2) suggests that this variant is likely to be tolerated. In summary, the available evidence is currently insufficient to determine the role of this variant in disease. Therefore, it has been classified as a Variant of Uncertain Significance.

NM_001220.5(CAMK2B):c.1408C>G (p.Leu470Val)

Gene: CAMK2B (calcium/calmodulin dependent protein kinase II beta; minus strand). Cytogenetic location: 7p13.
Variant type: single nucleotide variant.
Coding change: c.1408C>G on transcript NM_001220.5 (MANE Select); coding-DNA position 1408, C replaced by G.
Protein change: p.Leu470Val; replaces leucine 470 with valine.
Molecular consequence: missense variant. On other transcripts: intron variant (8).
Genome position (GRCh38, 1-based): chr7:44,228,856, G>C on the plus strand (C>G on the coding strand, the complement: CAMK2B is on the minus strand). VCF-style: chr7-44228856-G-C. GRCh37 (hg19) VCF-style: chr7-44268455-G-C.
Other names: c.1408C>G (NM_001220.4); c.947-7955C>G (NM_172084.3); c.1150+2150C>G (NM_172080.3); c.1036+2150C>G (NM_172083.3); c.1108+2150C>G (NM_172081.3); c.1153+2150C>G (NM_172079.3, NM_172082.3); c.1225+2150C>G (NM_001293170.2, NM_172078.3); short protein forms L470V.
Identifiers: ClinVar variation 3681844 (VCV003681844.3).